The following is an entry in ClinVar:

ClinVar aggregate classification (germline): Uncertain significance (1 of 4 stars; one submission).

Submission:

Ambry Genetics
Classification: Uncertain significance. Last evaluated: 2022-10-04. Review status: criteria provided, single submitter. Criteria: Ambry Variant Classification Scheme 2023. Collection method: clinical testing. Allele origin: germline.
Comment: The p.L701V variant (also known as c.2101C>G), located in coding exon 13 of the NPAT gene, results from a C to G substitution at nucleotide position 2101. The leucine at codon 701 is replaced by valine, an amino acid with highly similar properties. This amino acid position is conserved. In addition, this alteration is predicted to be tolerated by in silico analysis. Since supporting evidence is limited at this time, the clinical significance of this alteration remains unclear.

NM_002519.3(NPAT):c.2101C>G (p.Leu701Val)

Gene: NPAT (nuclear protein, coactivator of histone transcription; minus strand). Cytogenetic location: 11q22.3.
Variant type: single nucleotide variant.
Coding change: c.2101C>G on transcript NM_002519.3 (MANE Select); coding-DNA position 2101, C replaced by G.
Protein change: p.Leu701Val; replaces leucine 701 with valine.
Molecular consequence: missense variant.
Genome position (GRCh38, 1-based): chr11:108,172,883, G>C on the plus strand (C>G on the coding strand, the complement: NPAT is on the minus strand). VCF-style: chr11-108172883-G-C. GRCh37 (hg19) VCF-style: chr11-108043610-G-C.
Other names: c.2101C>G, p.Leu701Val (NM_001321307.1); short protein forms L701V.
Identifiers: ClinVar variation 1785921 (VCV001785921.2), dbSNP rs1336201206, ClinGen allele CA382513687.